The following is an entry in ClinVar:

NM_178335.3(CCDC50):c.33G>A (p.Leu11=)

Genes: CCDC50 (coiled-coil domain containing 50; plus strand), UTS2B (urotensin 2B; minus strand). Cytogenetic location: 3q28.
Variant type: single nucleotide variant.
Coding change: c.33G>A on transcript NM_178335.3 (MANE Select); coding-DNA position 33, G replaced by A.
Protein change: p.Leu11=; no amino-acid change (leucine 11 retained).
Molecular consequence: synonymous variant. On other transcripts: intron variant (1).
Genome position (GRCh38, 1-based): chr3:191,329,707, G>A. VCF-style: chr3-191329707-G-A. GRCh37 (hg19) VCF-style: chr3-191047496-G-A.
Other names: c.33G>A, p.Leu11= (NM_174908.4); c.-665+707C>T (NM_198152.5).
Identifiers: ClinVar variation 1800758 (VCV001800758.4), dbSNP rs376222034, ClinGen allele CA2755118.
Genomic context (GRCh38, chr3:191,329,707, plus strand): 5'-AAAGGGGCAACCGGGACCCTGGCCCGGTATGGCTGAAGTCAGCATCGACCAGTCCAAGCT[G>A]CCTGGAGTCAAGGAAGGTAAGGGCCCCGGAGGGAGAGCGCGCGGGACCCTCCCCTCTCCC-3'
Protein context (NP_848018.1, residues 1-21): MAEVSIDQSK[Leu11=]PGVKEVCRDF

ClinVar aggregate classification (germline): Conflicting classifications of pathogenicity. Review status: criteria provided, conflicting classifications (1 of 4 stars). 2 submissions from 2 submitters: Uncertain significance (1); Likely benign (1). Last evaluated 2023-04-14.

Allele frequency attached by ClinVar (database versions not stated): ESP Exome Variant Server 0.00008.
gnomAD v4.1: 4 of 1,610,392 alleles (0.00025%); highest among the groups gnomAD compares: African/African-American, 0.0053%; no homozygotes.

Submissions (2):

Labcorp Genetics (formerly Invitae), Labcorp
Classification: Likely benign. Last evaluated: 2023-04-14. Review status: criteria provided, single submitter. Criteria: Invitae Variant Classification Sherloc (09022015). Collection method: clinical testing. Allele origin: germline.

GeneDx
Classification: Uncertain significance. Last evaluated: 2022-05-19. Review status: criteria provided, single submitter. Criteria: GeneDx Variant Classification Process June 2021. Collection method: clinical testing. Allele origin: germline. Affected: yes.
Comment: Not observed at significant frequency in large population cohorts (gnomAD); In silico analysis supports that this variant does not alter splicing; Has not been previously published as pathogenic or benign to our knowledge